The following is an entry in ClinVar:

NM_001384732.1(CPLANE1):c.9146C>T (p.Thr3049Ile)

Gene: CPLANE1 (ciliogenesis and planar polarity effector complex subunit 1; minus strand). Cytogenetic location: 5p13.2.
Variant type: single nucleotide variant.
Coding change: c.9146C>T on transcript NM_001384732.1 (MANE Select); coding-DNA position 9146, C replaced by T.
Protein change: p.Thr3049Ile; replaces threonine 3049 with isoleucine.
Molecular consequence: missense variant.
Genome position (GRCh38, 1-based): chr5:37,121,656, G>A on the plus strand (C>T on the coding strand, the complement: CPLANE1 is on the minus strand). VCF-style: chr5-37121656-G-A. GRCh37 (hg19) VCF-style: chr5-37121758-G-A.
Other names: c.8984C>T, p.Thr2995Ile (NM_023073.4); short protein forms T2995I, T3049I.
Identifiers: ClinVar variation 1443333 (VCV001443333.9), dbSNP rs767189816, ClinGen allele CA3237559.

ClinVar aggregate classification (germline): Uncertain significance. Review status: criteria provided, multiple submitters, no conflicts (2 of 4 stars). 4 submissions from 4 submitters: Uncertain significance (4). Last evaluated 2025-06-25.

Conditions:
Joubert syndrome 17 (JBTS17). Identifiers: Orphanet 475, MedGen C3553264, MONDO:0013824, OMIM 614615.
Orofaciodigital syndrome type 6 (OFD6). Also called: OROFACIODIGITAL SYNDROME VI; OFDS VI; POLYDACTYLY, CLEFT LIP/PALATE OR LINGUAL LUMP, AND PSYCHOMOTOR RETARDATION; VARADI SYNDROME; VARADI-PAPP SYNDROME; Oral-facial-digital syndrome type 6. Identifiers: Orphanet 2754, MedGen C2745997, MONDO:0010176, OMIM 277170.

Allele frequency attached by ClinVar (database versions not stated): ExAC 0.00001; gnomAD 0.00001; gnomAD exomes 0.00002; TOPMed 0.00004.
gnomAD v4.1: 34 of 1,614,054 alleles (0.0021%); highest among the groups gnomAD compares: Admixed American, 0.0033%; no homozygotes.

Submissions (4):

Labcorp Genetics (formerly Invitae), Labcorp
Classification: Uncertain significance. Last evaluated: 2025-06-25. Review status: criteria provided, single submitter. Criteria: Invitae Variant Classification Sherloc (09022015). Collection method: clinical testing. Allele origin: germline.
Comment: This sequence change replaces threonine, which is neutral and polar, with isoleucine, which is neutral and non-polar, at codon 2995 of the CPLANE1 protein (p.Thr2995Ile). This variant is present in population databases (rs767189816, gnomAD 0.003%). This variant has not been reported in the literature in individuals affected with CPLANE1-related conditions. ClinVar contains an entry for this variant (Variation ID: 1443333). Invitae Evidence Modeling of protein sequence and biophysical properties (such as structural, functional, and spatial information, amino acid conservation, physicochemical variation, residue mobility, and thermodynamic stability) indicates that this missense variant is not expected to disrupt CPLANE1 protein function with a negative predictive value of 95%. In summary, the available evidence is currently insufficient to determine the role of this variant in disease. Therefore, it has been classified as a Variant of Uncertain Significance.

Blueprint Genetics
Classification: Uncertain significance. Last evaluated: 2024-11-07. Review status: criteria provided, single submitter. Criteria: ACMG Guidelines, 2015. Collection method: clinical testing. Allele origin: germline.

Fulgent Genetics
Classification: Uncertain significance for Orofaciodigital syndrome type 6; Joubert syndrome 17. Last evaluated: 2021-12-20. Review status: criteria provided, single submitter. Criteria: ACMG Guidelines, 2015. Collection method: clinical testing. Allele origin: unknown.

Neuberg Centre For Genomic Medicine, NCGM
Classification: Uncertain significance for Joubert syndrome 17. Review status: criteria provided, single submitter. Criteria: ACMG Guidelines, 2015. Collection method: clinical testing. Allele origin: germline. Inheritance: Autosomal recessive inheritance. Affected: yes.
Comment: The missense variant c.9146C>Tp.Thr3049Ile in CPLANE1 gene has not been reported previously as a pathogenic variant nor as a benign variant, to our knowledge. The variant is reported with 0.001% allele frequency in gnomAD Exomes and is novel not in any individuals in 1000 Genomes. This variant has been reported to the ClinVar database as Uncertain Significance. However, study on multiple affected individuals and functional studies on the pathogenicity of the variant is not available. The amino acid Threonine at position 3049 is changed to a Isoleucine changing protein sequence and it might alter its composition and physico-chemical properties. The amino acid change p.Thr3049Ile in CPLANE1 is predicted as conserved by GERP++ and PhyloP across 100 vertebrates. For these reasons, this variant has been classified as Uncertain Significance.